The following is an entry in ClinVar:

NM_003005.4(SELP):c.992G>A (p.Ser331Asn)

Gene: SELP (selectin P; minus strand). Cytogenetic location: 1q24.2.
Variant type: single nucleotide variant.
Coding change: c.992G>A on transcript NM_003005.4 (MANE Select); coding-DNA position 992, G replaced by A.
Protein change: p.Ser331Asn; replaces serine 331 with asparagine.
Molecular consequence: missense variant.
Genome position (GRCh38, 1-based): chr1:169,611,647, C>T on the plus strand (G>A on the coding strand, the complement: SELP is on the minus strand). VCF-style: chr1-169611647-C-T. GRCh37 (hg19) VCF-style: chr1-169580885-C-T.
Other names: short protein forms S331N.
Identifiers: ClinVar variation 3060479 (VCV003060479.2), dbSNP rs6131, ClinGen allele CA1235275.

ClinVar aggregate classification (germline): Benign (0 of 4 stars; one submission).

Conditions:
SELP-related disorder. Also called: SELP-related condition.

Allele frequency attached by ClinVar (database versions not stated): ExAC 0.20580; TOPMed 0.22110; gnomAD 0.22249; ESP Exome Variant Server 0.22713; 1000 Genomes Project 0.23902; 1000 Genomes Project 30x 0.24235.
gnomAD v4.1: 302,014 of 1,613,720 alleles (19%); highest among the groups gnomAD compares: African/African-American, 32%; 30,311 homozygotes.

Submission:

PreventionGenetics, part of Exact Sciences
Classification: Benign for SELP-related condition. Last evaluated: 2019-10-28. Review status: no assertion criteria provided. Collection method: clinical testing. Allele origin: germline.
Comment: This variant is classified as benign based on ACMG/AMP sequence variant interpretation guidelines (Richards et al. 2015 PMID: 25741868, with internal and published modifications).